The following is an entry in ClinVar:

NM_001276345.2(TNNT2):c.201T>C (p.Asp67=)

Gene: TNNT2 (troponin T2, cardiac type; minus strand). Cytogenetic location: 1q32.1.
Variant type: single nucleotide variant.
Coding change: c.201T>C on transcript NM_001276345.2 (MANE Select); coding-DNA position 201, T replaced by C.
Protein change: p.Asp67=; no amino-acid change (aspartic acid 67 retained).
Molecular consequence: synonymous variant.
Genome position (GRCh38, 1-based): chr1:201,366,870, A>G on the plus strand (T>C on the coding strand, the complement: TNNT2 is on the minus strand). VCF-style: chr1-201366870-A-G. GRCh37 (hg19) VCF-style: chr1-201335998-A-G.
Other names: c.201T>C, p.Asp67= (NM_000364.4, NM_001406723.1); c.171T>C, p.Asp57= (NM_001001430.3, NM_001001431.3, NM_001276347.2 and 3 more transcripts); c.156T>C, p.Asp52= (NM_001001432.3, NM_001406728.1); c.198T>C, p.Asp66= (NM_001276346.2); c.168T>C, p.Asp56= (NM_001406725.1).
Identifiers: ClinVar variation 3386121 (VCV003386121.2).

ClinVar aggregate classification (germline): Likely benign. Review status: criteria provided, multiple submitters, no conflicts (2 of 4 stars). 2 submissions from 2 submitters: Likely benign (2). Last evaluated 2024-07-29.

Conditions:
Cardiomyopathy (CMYO). Also called: Cardiomyopathies. Identifiers: Orphanet 167848, MedGen C0878544, MONDO:0004994, HP:0001638. Inheritance: Various modes of inheritance.

Submissions (2):

All of Us Research Program, National Institutes of Health
Classification: Likely benign for Cardiomyopathy. Last evaluated: 2024-07-29. Review status: criteria provided, single submitter. Criteria: ACMG Guidelines, 2015. Collection method: clinical testing. Allele origin: germline. Inheritance: Autosomal dominant inheritance. Observed: 1 variant allele, 1 heterozygote.
Comment: This study involves interpretation of variants in research participants for the purpose of population health screening. Participant phenotype was not available at the time of variant classification. Additional details can be found in publication PMID: 35346344, PMCID: PMC8962531

Color Diagnostics, LLC DBA Color Health
Classification: Likely benign for Cardiomyopathy. Last evaluated: 2024-07-23. Review status: criteria provided, single submitter. Criteria: ACMG Guidelines, 2015. Collection method: clinical testing. Allele origin: germline.